The following is an entry in ClinVar:

ClinVar aggregate classification (germline): Uncertain significance (1 of 4 stars; one submission).

Submission:

GeneDx
Classification: Uncertain significance. Last evaluated: 2024-09-15. Review status: criteria provided, single submitter. Criteria: GeneDx Variant Classification Process June 2021. Collection method: clinical testing. Allele origin: germline. Affected: yes.
Comment: Identified in an individual from a cohort of individuals with neurodevelopmental disorders, however detailed clinical information was not provided (PMID: 33004838); Nonsense variant predicted to result in protein truncation as the last 79 amino acid(s) are lost; Not observed at significant frequency in large population cohorts (gnomAD); This variant is associated with the following publications: (PMID: 33004838)

NM_017934.7(PHIP):c.5227C>T (p.Arg1743Ter)

Genes: IRAK1BP1 (interleukin 1 receptor associated kinase 1 binding protein 1; plus strand), PHIP (pleckstrin homology domain interacting protein; minus strand). Cytogenetic location: 6q14.1.
Variant type: single nucleotide variant.
Coding change: c.5227C>T on transcript NM_017934.7 (MANE Select); coding-DNA position 5227, C replaced by T.
Protein change: p.Arg1743Ter; replaces arginine 1743 with a stop codon.
Molecular consequence: nonsense.
Genome position (GRCh38, 1-based): chr6:78,940,932, G>A on the plus strand (C>T on the coding strand, the complement: PHIP is on the minus strand). VCF-style: chr6-78940932-G-A. GRCh37 (hg19) VCF-style: chr6-79650649-G-A.
Other names: short protein forms R1743*.
Identifiers: ClinVar variation 523818 (VCV000523818.4), dbSNP rs1300312373, ClinGen allele CA364632984.